The following is an entry in ClinVar:

NM_007315.4(STAT1):c.1894G>C (p.Glu632Gln)

Gene: STAT1 (signal transducer and activator of transcription 1; minus strand). Cytogenetic location: 2q32.2.
Variant type: single nucleotide variant.
Coding change: c.1894G>C on transcript NM_007315.4 (MANE Select); coding-DNA position 1894, G replaced by C.
Protein change: p.Glu632Gln; replaces glutamic acid 632 with glutamine.
Molecular consequence: missense variant.
Genome position (GRCh38, 1-based): chr2:190,977,005, C>G on the plus strand (G>C on the coding strand, the complement: STAT1 is on the minus strand). VCF-style: chr2-190977005-C-G. GRCh37 (hg19) VCF-style: chr2-191841731-C-G.
Other names: c.1888G>C, p.Glu630Gln (NM_001384882.1); c.1795G>C, p.Glu599Gln (NM_001384883.1); c.1900G>C, p.Glu634Gln (NM_001384884.1, NM_001384881.1); c.1834G>C, p.Glu612Gln (NM_001384880.1); c.1735G>C, p.Glu579Gln (NM_001384885.1); c.1894G>C, p.Glu632Gln (NM_001384886.1, NM_001384889.1, NM_139266.3); c.1801G>C, p.Glu601Gln (NM_001384887.1); c.1864G>C, p.Glu622Gln (NM_001384888.1); and 2 more; short protein forms E579Q, E599Q, E601Q, E602Q, E612Q, E622Q, E630Q, E632Q.
Identifiers: ClinVar variation 2431772 (VCV002431772.1), dbSNP rs2470418627, ClinGen allele CA349912530.

ClinVar aggregate classification (germline): Uncertain significance (1 of 4 stars; one submission).

Conditions:
Autoimmune enteropathy and endocrinopathy - susceptibility to chronic infections syndrome. Also called: Immunodeficiency 31C, autosomal dominant; Immunodeficiency 31C. Identifiers: Orphanet 391487, MedGen C3279990, MONDO:0013599, OMIM 614162.

Submission:

Laboratorio de Genetica e Diagnostico Molecular, Hospital Israelita Albert Einstein
Classification: Uncertain significance for Autoimmune enteropathy and endocrinopathy - susceptibility to chronic infections syndrome. Last evaluated: 2022-03-26. Review status: criteria provided, single submitter. Criteria: ACMG Guidelines, 2015. Collection method: clinical testing. Allele origin: germline. Affected: yes. Observed: 1 variant allele.
Comment: ACMG classification criteria: PM2 moderated, PP2 supporting